The following is an entry in ClinVar:

ClinVar aggregate classification (germline): Benign (1 of 4 stars; one submission).

Conditions:
Leigh syndrome (NULS). Also called: Leigh's necrotizing encephalopathy; Leigh's disease; Leigh's syndrome; LEIGH SYNDROME, NUCLEAR; Leigh Syndrome (mtDNA deletion); Leigh Disease. Identifiers: Orphanet 506, MedGen C2931891, MONDO:0009723, OMIM 256000.

Submission:

Wong Mito Lab, Molecular and Human Genetics, Baylor College of Medicine
Classification: Benign for Leigh syndrome. Last evaluated: 2019-10-17. Review status: criteria provided, single submitter. Criteria: Modified ACMG Guidelines (Unpublished). Collection method: clinical testing. Allele origin: germline.
Comment: The NC_012920.1:m.15849C>T (YP_003024038.1:p.Thr368Ile) variant in MTCYB gene is interpretated to be a Benign variant based on the modified ACMG guidelines (unpublished). This variant meets the following evidence codes: BS1, BS2, BP4

NC_012920.1(MT-CYB):m.15849C>T

Gene: MT-CYB (mitochondrially encoded cytochrome b; plus strand).
Variant type: single nucleotide variant.
Genome position: chrM-15849-C-T.
Identifiers: ClinVar variation 693965 (VCV000693965.1), dbSNP rs202225494, ClinGen allele CA337100546.
Genomic context (GRCh38, chrMT:15,849, plus strand): 5'-CCATCATTGGACAAGTAGCATCCGTACTATACTTCACAACAATCCTAATCCTAATACCAA[C>T]TATCTCCCTAATTGAAAACAAAATACTCAAATGGGCCTGTCCTTGTAGTATAAACTAATA-3'